The following is an entry in ClinVar:

NM_014334.4(FRRS1L):c.463G>A (p.Gly155Ser)

Gene: FRRS1L (ferric chelate reductase 1 like; minus strand). Cytogenetic location: 9q31.3.
Variant type: single nucleotide variant.
Coding change: c.463G>A on transcript NM_014334.4 (MANE Select); coding-DNA position 463, G replaced by A.
Protein change: p.Gly155Ser; replaces glycine 155 with serine.
Molecular consequence: missense variant.
Genome position (GRCh38, 1-based): chr9:109,141,589, C>T on the plus strand (G>A on the coding strand, the complement: FRRS1L is on the minus strand). VCF-style: chr9-109141589-C-T. GRCh37 (hg19) VCF-style: chr9-111903869-C-T.
Other names: short protein forms G155S.
Identifiers: ClinVar variation 2013100 (VCV002013100.4), dbSNP rs1831187141, ClinGen allele CA374425408.
Genomic context (GRCh38, chr9:109,141,589, plus strand): 5'-AGTGCTGTATGCGGACCCTGCCATTGTCATCATGGACGCAGGCCATGACATCATCACCAC[C>T]CTAACATGAGAAATGATTGAGAAAAAAAAAAGTCAAAGGTTCATCTTTTGCACACTGGTC-3'
Protein context (NP_055149.3, residues 145-165): AVGFSSDKKM[Gly155Ser]GDDVMACVHD

ClinVar aggregate classification (germline): Uncertain significance (1 of 4 stars; one submission).

Conditions:
Developmental and epileptic encephalopathy, 37 (DEE37). Also called: Epileptic encephalopathy, early infantile, 37. Identifiers: MedGen C4310770, MONDO:0014859, OMIM 616981.

Allele frequency attached by ClinVar (database versions not stated): gnomAD exomes below 0.00001.

Submission:

Labcorp Genetics (formerly Invitae), Labcorp
Classification: Uncertain significance for Developmental and epileptic encephalopathy, 37. Last evaluated: 2023-12-11. Review status: criteria provided, single submitter. Criteria: Invitae Variant Classification Sherloc (09022015). Collection method: clinical testing. Allele origin: germline.
Comment: This sequence change replaces glycine, which is neutral and non-polar, with serine, which is neutral and polar, at codon 206 of the FRRS1L protein (p.Gly206Ser). This variant is not present in population databases (gnomAD no frequency). This variant has not been reported in the literature in individuals affected with FRRS1L-related conditions. ClinVar contains an entry for this variant (Variation ID: 2013100). An algorithm developed to predict the effect of missense changes on protein structure and function (PolyPhen-2) suggests that this variant is likely to be disruptive. In summary, the available evidence is currently insufficient to determine the role of this variant in disease. Therefore, it has been classified as a Variant of Uncertain Significance.